The following is an entry in ClinVar:

ClinVar aggregate classification (germline): Uncertain significance (1 of 4 stars; one submission).

Allele frequency attached by ClinVar (database versions not stated): gnomAD exomes below 0.00001.

Submission:

Ambry Genetics
Classification: Uncertain significance. Last evaluated: 2025-04-03. Review status: criteria provided, single submitter. Criteria: Ambry Variant Classification Scheme 2023. Collection method: clinical testing. Allele origin: germline.
Comment: The p.H282Y variant (also known as c.844C>T), located in coding exon 1 of the EGLN1 gene, results from a C to T substitution at nucleotide position 844. The histidine at codon 282 is replaced by tyrosine, an amino acid with similar properties. This amino acid position is conserved. In addition, the in silico prediction for this alteration is inconclusive. Since supporting evidence is limited at this time, the clinical significance of this alteration remains unclear.

NM_022051.3(EGLN1):c.844C>T (p.His282Tyr)

Genes: EGLN1 (egl-9 family hypoxia inducible factor 1; minus strand), LOC129932769 (ATAC-STARR-seq lymphoblastoid active region 2730; plus strand). Cytogenetic location: 1q42.2.
Variant type: single nucleotide variant.
Coding change: c.844C>T on transcript NM_022051.3 (MANE Select); coding-DNA position 844, C replaced by T.
Protein change: p.His282Tyr; replaces histidine 282 with tyrosine.
Molecular consequence: missense variant.
Genome position (GRCh38, 1-based): chr1:231,421,045, G>A on the plus strand (C>T on the coding strand, the complement: EGLN1 is on the minus strand). VCF-style: chr1-231421045-G-A. GRCh37 (hg19) VCF-style: chr1-231556791-G-A.
Other names: c.844C>T, p.His282Tyr (NM_001377260.1, NM_001377261.1); short protein forms H282Y.
Identifiers: ClinVar variation 1763426 (VCV001763426.3), dbSNP rs1157776843, ClinGen allele CA345234993.